The following is an entry in ClinVar:

NM_000548.5(TSC2):c.445A>C (p.Asn149His)

Gene: TSC2 (TSC complex subunit 2; plus strand). Cytogenetic location: 16p13.3.
Variant type: single nucleotide variant.
Coding change: c.445A>C on transcript NM_000548.5 (MANE Select); coding-DNA position 445, A replaced by C.
Protein change: p.Asn149His; replaces asparagine 149 with histidine.
Molecular consequence: missense variant. On other transcripts: 5 prime UTR variant (14), non-coding transcript variant (5), intron variant (6).
Genome position (GRCh38, 1-based): chr16:2,054,404, A>C. VCF-style: chr16-2054404-A-C. GRCh37 (hg19) VCF-style: chr16-2104405-A-C.
Other names: c.445A>C, p.Asn149His (NM_001077183.3, NM_001114382.3, NM_001363528.2 and 8 more transcripts); c.334A>C, p.Asn112His (NM_001318827.2, NM_001406670.1, NM_001406678.1); c.298A>C, p.Asn100His (NM_001318829.2, NM_001406675.1, NM_001406676.1 and 1 more transcripts); c.478A>C, p.Asn160His (NM_001318832.2); c.535A>C, p.Asn179His (NM_001406667.1, NM_001406668.1); c.388A>C, p.Asn130His (NM_001406677.1); c.-372A>C (NM_001406680.1, NM_001406683.1, NM_001406687.1); c.-1A>C (NM_001406681.1); and 6 more; short protein forms N100H, N112H, N130H, N149H, N160H, N179H.
Identifiers: ClinVar variation 4802832 (VCV004802832.1).

ClinVar aggregate classification (germline): Uncertain significance (1 of 4 stars; one submission).

Conditions:
Tuberous sclerosis 2 (TSC2). Identifiers: Orphanet 805, MedGen C1860707, MONDO:0013199, OMIM 613254.

Submission:

Labcorp Genetics (formerly Invitae), Labcorp
Classification: Uncertain significance for Tuberous sclerosis 2. Last evaluated: 2025-09-09. Review status: criteria provided, single submitter. Criteria: Invitae Variant Classification Sherloc (09022015). Collection method: clinical testing. Allele origin: germline.
Comment: This sequence change replaces asparagine, which is neutral and polar, with histidine, which is basic and polar, at codon 149 of the TSC2 protein (p.Asn149His). This variant is not present in population databases (gnomAD no frequency). This variant has not been reported in the literature in individuals affected with TSC2-related conditions. Invitae Evidence Modeling of protein sequence and biophysical properties (such as structural, functional, and spatial information, amino acid conservation, physicochemical variation, residue mobility, and thermodynamic stability) indicates that this missense variant is not expected to disrupt TSC2 protein function with a negative predictive value of 95%. In summary, the available evidence is currently insufficient to determine the role of this variant in disease. Therefore, it has been classified as a Variant of Uncertain Significance.